The following is an entry in ClinVar:

ClinVar aggregate classification (germline): Uncertain significance (1 of 4 stars; one submission).

Submission:

Labcorp Genetics (formerly Invitae), Labcorp
Classification: Uncertain significance. Last evaluated: 2022-01-17. Review status: criteria provided, single submitter. Criteria: Invitae Variant Classification Sherloc (09022015). Collection method: clinical testing. Allele origin: germline.
Comment: In summary, the available evidence is currently insufficient to determine the role of this variant in disease. Therefore, it has been classified as a Variant of Uncertain Significance. Algorithms developed to predict the effect of missense changes on protein structure and function are either unavailable or do not agree on the potential impact of this missense change (SIFT: "Not Available"; PolyPhen-2: "Probably Damaging"; Align-GVGD: "Not Available"). This variant has not been reported in the literature in individuals affected with TOP3A-related conditions. This variant is not present in population databases (gnomAD no frequency). This sequence change replaces glutamine, which is neutral and polar, with histidine, which is basic and polar, at codon 245 of the TOP3A protein (p.Gln245His).

NM_004618.5(TOP3A):c.735G>T (p.Gln245His)

Gene: TOP3A (DNA topoisomerase III alpha; minus strand). Cytogenetic location: 17p11.2.
Variant type: single nucleotide variant.
Coding change: c.735G>T on transcript NM_004618.5 (MANE Select); coding-DNA position 735, G replaced by T.
Protein change: p.Gln245His; replaces glutamine 245 with histidine.
Molecular consequence: missense variant.
Genome position (GRCh38, 1-based): chr17:18,302,343, C>A on the plus strand (G>T on the coding strand, the complement: TOP3A is on the minus strand). VCF-style: chr17-18302343-C-A. GRCh37 (hg19) VCF-style: chr17-18205657-C-A.
Other names: c.450G>T, p.Gln150His (NM_001320759.2); short protein forms Q150H, Q245H.
Identifiers: ClinVar variation 2087352 (VCV002087352.4), dbSNP rs1981282989, ClinGen allele CA398637839.